The following is an entry in ClinVar:

ClinVar aggregate classification (germline): Benign/Likely benign. Review status: criteria provided, multiple submitters, no conflicts (2 of 4 stars). 2 submissions from 2 submitters: Benign (1); Likely benign (1). Last evaluated 2026-06-25.

Conditions:
Retinoblastoma (RB1). Also called: RETINOBLASTOMA, SOMATIC. Identifiers: Orphanet 790, MedGen C0035335, MeSH D012175, MONDO:0008380, OMIM 180200, HP:0009919. Disease mechanism: loss of function. Inheritance: Both sporadic and heritable forms are tested..

Allele frequency attached by ClinVar (database versions not stated): gnomAD exomes below 0.00001.
gnomAD v4.1: 1 of 1,613,668 alleles (0.000062%); highest among the groups gnomAD compares: Non-Finnish European, 0.000085%; no homozygotes.

Submissions (2):

Myriad Genetics, Inc.
Classification: Benign for Retinoblastoma. Last evaluated: 2026-06-25. Review status: criteria provided, single submitter. Criteria: Myriad Autosomal Dominant, Autosomal Recessive and X-Linked Classification Criteria (2023). Collection method: clinical testing. Allele origin: unknown.
Comment: This variant is considered benign. This variant is a silent/synonymous amino acid change and it is not expected to impact splicing.

Labcorp Genetics (formerly Invitae), Labcorp
Classification: Likely benign for Retinoblastoma. Last evaluated: 2022-12-31. Review status: criteria provided, single submitter. Criteria: Invitae Variant Classification Sherloc (09022015). Collection method: clinical testing. Allele origin: germline.

NM_000321.3(RB1):c.2640A>G (p.Glu880=)

Gene: RB1 (RB transcriptional corepressor 1; plus strand). Cytogenetic location: 13q14.2.
Variant type: single nucleotide variant.
Coding change: c.2640A>G on transcript NM_000321.3 (MANE Select); coding-DNA position 2640, A replaced by G.
Protein change: p.Glu880=; no amino-acid change (glutamic acid 880 retained).
Molecular consequence: synonymous variant.
Genome position (GRCh38, 1-based): chr13:48,476,820, A>G. VCF-style: chr13-48476820-A-G. GRCh37 (hg19) VCF-style: chr13-49050956-A-G.
Other names: c.2640A>G, p.Glu880= (NM_001407165.1); c.90A>G, p.Glu30= (NM_001407168.1).
Identifiers: ClinVar variation 2799955 (VCV002799955.4), dbSNP rs2138359546, ClinGen allele CA483561107.